The following is an entry in ClinVar:

NM_001164508.2(NEB):c.24971T>C (p.Phe8324Ser)

Genes: RIF1 (replication timing regulatory factor 1; plus strand), NEB (nebulin; minus strand). Cytogenetic location: 2q23.3.
Variant type: single nucleotide variant.
Coding change: c.24971T>C on transcript NM_001164508.2 (MANE Select); coding-DNA position 24971, T replaced by C.
Protein change: p.Phe8324Ser; replaces phenylalanine 8324 with serine.
Molecular consequence: missense variant.
Genome position (GRCh38, 1-based): chr2:151,492,184, A>G on the plus strand (T>C on the coding strand, the complement: NEB is on the minus strand). VCF-style: chr2-151492184-A-G. GRCh37 (hg19) VCF-style: chr2-152348698-A-G.
Other names: c.24971T>C, p.Phe8324Ser (NM_001164507.2); c.25076T>C, p.Phe8359Ser (NM_001271208.2); c.19403T>C, p.Phe6468Ser (NM_004543.5); short protein forms F6468S, F8324S, F8359S.
Identifiers: ClinVar variation 2060556 (VCV002060556.1), dbSNP rs2057142099, ClinGen allele CA348773575.

ClinVar aggregate classification (germline): Uncertain significance (1 of 4 stars; one submission).

Conditions:
Nemaline myopathy 2 (NEM2). Also called: Nemaline myopathy 2, autosomal recessive. Identifiers: MedGen C1850569, MONDO:0009725, OMIM 256030.

Allele frequency attached by ClinVar (database versions not stated): TOPMed below 0.00001.

Submission:

Labcorp Genetics (formerly Invitae), Labcorp
Classification: Uncertain significance for Nemaline myopathy 2. Last evaluated: 2022-10-04. Review status: criteria provided, single submitter. Criteria: Invitae Variant Classification Sherloc (09022015). Collection method: clinical testing. Allele origin: germline.
Comment: This sequence change replaces phenylalanine, which is neutral and non-polar, with serine, which is neutral and polar, at codon 8359 of the NEB protein (p.Phe8359Ser). This variant is not present in population databases (gnomAD no frequency). This variant has not been reported in the literature in individuals affected with NEB-related conditions. Algorithms developed to predict the effect of missense changes on protein structure and function are either unavailable or do not agree on the potential impact of this missense change (SIFT: "Deleterious"; PolyPhen-2: "Not Available"; Align-GVGD: "Class C0"). In summary, the available evidence is currently insufficient to determine the role of this variant in disease. Therefore, it has been classified as a Variant of Uncertain Significance.